The following is an entry in ClinVar:

NM_001204.7(BMPR2):c.*1999T>G

Gene: BMPR2 (bone morphogenetic protein receptor type 2; plus strand). Cytogenetic location: 2q33.2.
Variant type: single nucleotide variant.
Coding change: c.*1999T>G on transcript NM_001204.7 (MANE Select); 1999 bases downstream of the stop codon, T replaced by G.
Molecular consequence: 3 prime UTR variant.
Genome position (GRCh38, 1-based): chr2:202,561,945, T>G. VCF-style: chr2-202561945-T-G. GRCh37 (hg19) VCF-style: chr2-203426668-T-G.
Other names: c.*1999T>G (LRG_712t1).
Identifiers: ClinVar variation 333674 (VCV000333674.6), dbSNP rs17199249, ClinGen allele CA10612068.

ClinVar aggregate classification (germline): Benign. Review status: criteria provided, multiple submitters, no conflicts (2 of 4 stars). 2 submissions from 2 submitters: Benign (2). Last evaluated 2018-01-13.

Conditions:
Pulmonary hypertension, primary, 1 (PPH1). Also called: Pulmonary hypertension, familial primary, 1, with or without HHT. Identifiers: Orphanet 422, MedGen C4552070, MONDO:0024533, OMIM 178600.

Allele frequency attached by ClinVar (database versions not stated): 1000 Genomes Project 0.09645; gnomAD 0.12591 and 0.12723; 1000 Genomes Project 30x 0.09947; TOPMed 0.11920.

Submissions (2):

Illumina Laboratory Services, Illumina
Classification: Benign for Pulmonary hypertension, primary, 1. Last evaluated: 2018-01-13. Review status: criteria provided, single submitter. Criteria: ICSL Variant Classification Criteria 13 December 2019. Collection method: clinical testing. Allele origin: germline.
Comment: This variant was observed in the ICSL laboratory as part of a predisposition screen in an ostensibly healthy population. It had not been previously curated by ICSL or reported in the Human Gene Mutation Database (HGMD: prior to June 1st, 2018), and was therefore a candidate for classification through an automated scoring system. Utilizing variant allele frequency, disease prevalence and penetrance estimates, and inheritance mode, an automated score was calculated to assess if this variant is too frequent to cause the disease. Based on the score and internal cut-off values, a variant classified as benign is not then subjected to further curation. The score for this variant resulted in a classification of benign for this disease.

Breakthrough Genomics
Classification: Benign. Review status: criteria provided, single submitter. Criteria: ACMG Guidelines, 2015. Collection method: not provided. Allele origin: germline. Inheritance: Autosomal dominant inheritance. Affected: yes.